The following is an entry in ClinVar:

ClinVar aggregate classification (germline): Uncertain significance (1 of 4 stars; one submission).

Conditions:
Renal cell carcinoma. Identifiers: Orphanet 217071, MedGen C0007134, MeSH D002292, MONDO:0005086, HP:0005584.

Allele frequency attached by ClinVar (database versions not stated): TOPMed below 0.00001; gnomAD 0.00001.
gnomAD v4.1: 1 of 1,613,842 alleles (0.000062%); highest among the groups gnomAD compares: Non-Finnish European, 0.000085%; no homozygotes.

Submission:

Labcorp Genetics (formerly Invitae), Labcorp
Classification: Uncertain significance for Renal cell carcinoma. Last evaluated: 2022-03-08. Review status: criteria provided, single submitter. Criteria: Invitae Variant Classification Sherloc (09022015). Collection method: clinical testing. Allele origin: germline.
Comment: This sequence change replaces threonine, which is neutral and polar, with proline, which is neutral and non-polar, at codon 718 of the MET protein (p.Thr718Pro). In summary, the available evidence is currently insufficient to determine the role of this variant in disease. Therefore, it has been classified as a Variant of Uncertain Significance. Algorithms developed to predict the effect of missense changes on protein structure and function (SIFT, PolyPhen-2, Align-GVGD) all suggest that this variant is likely to be tolerated. This variant has not been reported in the literature in individuals affected with MET-related conditions. This variant is not present in population databases (gnomAD no frequency).

NM_000245.4(MET):c.2152A>C (p.Thr718Pro)

Gene: MET (MET proto-oncogene, receptor tyrosine kinase; plus strand). Cytogenetic location: 7q31.2.
Variant type: single nucleotide variant.
Coding change: c.2152A>C on transcript NM_000245.4 (MANE Select); coding-DNA position 2152, A replaced by C.
Protein change: p.Thr718Pro; replaces threonine 718 with proline.
Molecular consequence: missense variant.
Genome position (GRCh38, 1-based): chr7:116,758,508, A>C. VCF-style: chr7-116758508-A-C. GRCh37 (hg19) VCF-style: chr7-116398562-A-C.
Other names: c.2152A>C, p.Thr718Pro (NM_001127500.3, NM_001324401.3); c.862A>C, p.Thr288Pro (NM_001324402.2); short protein forms T288P, T718P.
Identifiers: ClinVar variation 1403061 (VCV001403061.6), dbSNP rs1794275099, ClinGen allele CA368980549.
Genomic context (GRCh38, chr7:116,758,508, plus strand): 5'-TTTTTGTTCAGTGTGTCAAACAGTATTCTTGAATGTTATACCCCAGCCCAAACCATTTCA[A>C]CTGAGTTTGCTGTTAAATTGAAAATTGACTTAGCCAACCGAGAGACAAGCATCTTCAGTT-3'
Protein context (NP_000236.2, residues 708-728): ECYTPAQTIS[Thr718Pro]EFAVKLKIDL